The following is an entry in ClinVar:

NM_213649.2(SFXN4):c.471C>T (p.Tyr157=)

Gene: SFXN4 (sideroflexin 4; minus strand). Cytogenetic location: 10q26.11.
Variant type: single nucleotide variant.
Coding change: c.471C>T on transcript NM_213649.2 (MANE Select); coding-DNA position 471, C replaced by T.
Protein change: p.Tyr157=; no amino-acid change (tyrosine 157 retained).
Molecular consequence: synonymous variant. On other transcripts: non-coding transcript variant (1).
Genome position (GRCh38, 1-based): chr10:119,157,871, G>A on the plus strand (C>T on the coding strand, the complement: SFXN4 is on the minus strand). VCF-style: chr10-119157871-G-A. GRCh37 (hg19) VCF-style: chr10-120917383-G-A.
Identifiers: ClinVar variation 390690 (VCV000390690.1), dbSNP rs186017166, ClinGen allele CA5714522.

ClinVar aggregate classification (germline): Likely benign (1 of 4 stars; one submission).

Allele frequency attached by ClinVar (database versions not stated): TOPMed 0.00003; gnomAD 0.00006 and 0.00012; gnomAD exomes 0.00007 and 0.00014; ESP Exome Variant Server 0.00008; ExAC 0.00013; 1000 Genomes Project 0.00060; 1000 Genomes Project 30x 0.00062.
gnomAD v4.1: 124 of 1,614,118 alleles (0.0077%); highest among the groups gnomAD compares: South Asian, 0.091%; 2 homozygotes.

Submission:

GeneDx
Classification: Likely benign. Last evaluated: 2016-11-15. Review status: criteria provided, single submitter. Criteria: GeneDx Variant Classification (06012015). Collection method: clinical testing. Allele origin: germline. Affected: yes.
Comment: This variant is considered likely benign or benign based on one or more of the following criteria: it is a conservative change, it occurs at a poorly conserved position in the protein, it is predicted to be benign by multiple in silico algorithms, and/or has population frequency not consistent with disease.